The following is an entry in ClinVar:

NM_017752.3(TBC1D8B):c.119G>A (p.Gly40Glu)

Gene: TBC1D8B (TBC1 domain family member 8B; plus strand). Cytogenetic location: Xq22.3.
Variant type: single nucleotide variant.
Coding change: c.119G>A on transcript NM_017752.3 (MANE Select); coding-DNA position 119, G replaced by A.
Protein change: p.Gly40Glu; replaces glycine 40 with glutamic acid.
Molecular consequence: missense variant.
Genome position (GRCh38, 1-based): chrX:106,802,972, G>A. VCF-style: chrX-106802972-G-A. GRCh37 (hg19) VCF-style: chrX-106046202-G-A.
Other names: c.119G>A, p.Gly40Glu (NM_198881.2); short protein forms G40E.
Identifiers: ClinVar variation 2633443 (VCV002633443.1), dbSNP rs754093308, ClinGen allele CA413812158.

ClinVar aggregate classification (germline): Uncertain significance (1 of 4 stars; one submission).

Conditions:
TBC1D8B-related disorder. Also called: TBC1D8B-related condition.

gnomAD v4.1: 4 of 1,206,709 alleles (0.00033%); highest among the groups gnomAD compares: Non-Finnish European, 0.00045%; no homozygotes.

Submission:

PreventionGenetics, part of Exact Sciences
Classification: Uncertain significance for TBC1D8B-related condition. Last evaluated: 2023-04-10. Review status: criteria provided, single submitter. Criteria: ACMG Guidelines, 2015. Collection method: clinical testing. Allele origin: germline.
Comment: The TBC1D8B c.119G>A variant is predicted to result in the amino acid substitution p.Gly40Glu. To our knowledge, this variant has not been reported in the literature. This variant is reported in 0.0013% of alleles in individuals of European (Non-Finnish) descent in gnomAD. At this time, the clinical significance of this variant is uncertain due to the absence of conclusive functional and genetic evidence.